The following is an entry in ClinVar:

ClinVar aggregate classification (germline): Uncertain significance (1 of 4 stars; one submission).

Submission:

GeneDx
Classification: Uncertain significance. Last evaluated: 2023-03-23. Review status: criteria provided, single submitter. Criteria: GeneDx Variant Classification Process June 2021. Collection method: clinical testing. Allele origin: germline. Affected: yes.
Comment: Not observed at significant frequency in large population cohorts (gnomAD); In silico analysis supports that this missense variant does not alter protein structure/function; Has not been previously published as pathogenic or benign to our knowledge; This variant is associated with the following publications: (PMID: 25486365)

NM_001042492.3(NF1):c.1873C>T (p.Leu625Phe)

Gene: NF1 (neurofibromin 1; plus strand). Cytogenetic location: 17q11.2.
Variant type: single nucleotide variant.
Coding change: c.1873C>T on transcript NM_001042492.3 (MANE Select); coding-DNA position 1873, C replaced by T.
Protein change: p.Leu625Phe; replaces leucine 625 with phenylalanine.
Molecular consequence: missense variant.
Genome position (GRCh38, 1-based): chr17:31,225,122, C>T. VCF-style: chr17-31225122-C-T. GRCh37 (hg19) VCF-style: chr17-29552140-C-T.
Other names: c.1873C>T, p.Leu625Phe (NM_000267.4); short protein forms L625F.
Identifiers: ClinVar variation 2580444 (VCV002580444.1), dbSNP rs2066990176, ClinGen allele CA399005125.